The following is an entry in ClinVar:

ClinVar aggregate classification (germline): Uncertain significance (1 of 4 stars; one submission).

Submission:

Dasa
Classification: Uncertain significance. Last evaluated: 2026-05-12. Review status: criteria provided, single submitter. Criteria: DASA Assertion Criteria. Collection method: clinical testing. Allele origin: germline.
Comment: NM_032217.5(ANKRD17):c.7156A>C (p.Asn2386His) is a missense variant that results in the substitution of asparagine with histidine. This variant is rare in population databases. Computational prediction algorithms are consistent with a benign effect. The currently available literature and clinical evidence are not sufficient to establish a definitive association between this variant and the reported condition. Therefore, this variant is classified as a variant of uncertain significance.

NM_032217.5(ANKRD17):c.7156A>C (p.Asn2386His)

Gene: ANKRD17 (ankyrin repeat domain 17; minus strand). Cytogenetic location: 4q13.3.
Variant type: single nucleotide variant.
Coding change: c.7156A>C on transcript NM_032217.5 (MANE Select); coding-DNA position 7156, A replaced by C.
Protein change: p.Asn2386His; replaces asparagine 2386 with histidine.
Molecular consequence: missense variant.
Genome position (GRCh38, 1-based): chr4:73,085,252, T>G on the plus strand (A>C on the coding strand, the complement: ANKRD17 is on the minus strand). VCF-style: chr4-73085252-T-G. GRCh37 (hg19) VCF-style: chr4-73950969-T-G.
Other names: c.6817A>C, p.Asn2273His (NM_001286771.3); c.7153A>C, p.Asn2385His (NM_015574.2); c.6403A>C, p.Asn2135His (NM_198889.3); short protein forms N2135H, N2273H, N2385H, N2386H.
Identifiers: ClinVar variation 5020582 (VCV005020582.1).